The following is an entry in ClinVar:

ClinVar aggregate classification (germline): Pathogenic (1 of 4 stars; one submission).

Conditions:
Neuromuscular disease caused by qualitative or quantitative defects of dystrophin. Also called: Qualitative or quantitative defects of dystrophin. Identifiers: Orphanet 207085, MedGen C5679787, MONDO:0016147.

Submission:

Women's Health and Genetics/Laboratory Corporation of America, LabCorp
Classification: Pathogenic for Neuromuscular disease caused by qualitative or quantitative defects of dystrophin. Last evaluated: 2021-03-18. Review status: criteria provided, single submitter. Criteria: LabCorp Variant Classification Summary - May 2015. Collection method: clinical testing. Allele origin: germline.
Comment: Variant summary: The variant identified by MLPA or other technology involves the deletion of exons 17-29 in the DMD gene. A presumed nomenclature of c.(1992+1_1993-1)_(4071+1_4072-1)del has been designated for the purposes of this classification. Although exact breakpoints of this deletion are not known, it is expected to result in a large in-frame deletion change in the DMD gene, a known mechanism of disease. The variant was absent in 16120 control chromosomes (gnomAD SV database). c.(1992+1_1993-1)_(4071+1_4072-1)del has been reported in the literature in at least one individual affected with Becker Muscular Dystrophy (Nicolas_2012). Additionally, this variant was observed in one fetus and identified as de novo mutation (Lin_2017). These data indicate that the variant is associated with disease. To our knowledge, no experimental evidence demonstrating an impact on protein function has been reported. No clinical diagnostic laboratories have submitted clinical-significance assessments for this variant to ClinVar after 2014. Based on the evidence outlined above, the variant was classified as pathogenic.

Literature cited by the submitters: PubMed 22776072; PubMed 28777860.

NC_000023.10:g.(32430031_32456357)_(32563452_32583818)del

Gene: DMD (dystrophin; minus strand). Cytogenetic location: Xp21.1.
Variant type: Deletion.
Identifiers: ClinVar variation 1050819 (VCV001050819.1).